The following is an entry in ClinVar:

NM_000051.4(ATM):c.3558A>C (p.Glu1186Asp)

Gene: ATM (ATM serine/threonine kinase; plus strand). Cytogenetic location: 11q22.3.
Variant type: single nucleotide variant.
Coding change: c.3558A>C on transcript NM_000051.4 (MANE Select); coding-DNA position 3558, A replaced by C.
Protein change: p.Glu1186Asp; replaces glutamic acid 1186 with aspartic acid.
Molecular consequence: missense variant.
Genome position (GRCh38, 1-based): chr11:108,281,150, A>C. VCF-style: chr11-108281150-A-C. GRCh37 (hg19) VCF-style: chr11-108151877-A-C.
Other names: c.3558A>C, p.Glu1186Asp (NM_001351834.2); short protein forms E1186D.
Identifiers: ClinVar variation 229955 (VCV000229955.23), dbSNP rs12786957, ClinGen allele CA10579112.
Genomic context (GRCh38, chr11:108,281,150, plus strand): 5'-TATCTGCGAAAAACAGGCTTTGTTTGCCCTGTGTAAATCTGTGAAAGAGAATGGATTAGA[A>C]CCTCACCTTGTGAAAAAGGTATATATGGATGAGTATTTTATTAGAAGCTTCCTTAGGTCA-3'
Protein context (NP_000042.3, residues 1176-1196): LCKSVKENGL[Glu1186Asp]PHLVKKVLEK

ClinVar aggregate classification (germline): Conflicting classifications of pathogenicity. Review status: criteria provided, conflicting classifications (1 of 4 stars). 6 submissions from 6 submitters: Uncertain significance (5); Likely benign (1). Last evaluated 2025-05-19.

Conditions:
Familial colorectal cancer type X. Identifiers: Orphanet 440437, MedGen C3896578, MONDO:0018604.
Hereditary cancer-predisposing syndrome. Also called: Hereditary Cancer Syndrome; Neoplastic Syndromes, Hereditary; Tumor predisposition; Hereditary neoplastic syndrome. Identifiers: Orphanet 140162, MedGen C0027672, MeSH D009386, MONDO:0015356.
Ataxia-telangiectasia syndrome (AT). Also called: Ataxia telangiectasia (A-T); Ataxia-telangiectasia, complementation group E; LOUIS-BAR SYNDROME; Cerebello-oculocutaneous telangiectasia; Immunodeficiency with ataxia telangiectasia; Ataxia-telangiectasia, complementation group D. Identifiers: Orphanet 100, MedGen C0004135, MONDO:0008840, OMIM 208900.

gnomAD v4.1: 1 of 1,613,914 alleles (0.000062%); highest among the groups gnomAD compares: Non-Finnish European, 0.000085%; no homozygotes.

Submissions (6):

Ambry Genetics
Classification: Likely benign for Hereditary cancer-predisposing syndrome. Last evaluated: 2025-05-19. Review status: criteria provided, single submitter. Criteria: Ambry Variant Classification Scheme 2023. Collection method: clinical testing. Allele origin: germline.

Labcorp Genetics (formerly Invitae), Labcorp
Classification: Uncertain significance for Ataxia-telangiectasia syndrome. Last evaluated: 2025-05-14. Review status: criteria provided, single submitter. Criteria: Invitae Variant Classification Sherloc (09022015). Collection method: clinical testing. Allele origin: germline.
Comment: This sequence change replaces glutamic acid, which is acidic and polar, with aspartic acid, which is acidic and polar, at codon 1186 of the ATM protein (p.Glu1186Asp). This variant is not present in population databases (gnomAD no frequency). This variant has not been reported in the literature in individuals affected with ATM-related conditions. ClinVar contains an entry for this variant (Variation ID: 229955). Invitae Evidence Modeling of protein sequence and biophysical properties (such as structural, functional, and spatial information, amino acid conservation, physicochemical variation, residue mobility, and thermodynamic stability) indicates that this missense variant is not expected to disrupt ATM protein function with a negative predictive value of 95%. In summary, the available evidence is currently insufficient to determine the role of this variant in disease. Therefore, it has been classified as a Variant of Uncertain Significance.

Color Diagnostics, LLC DBA Color Health
Classification: Uncertain significance for Hereditary cancer-predisposing syndrome. Last evaluated: 2023-10-31. Review status: criteria provided, single submitter. Criteria: ACMG Guidelines, 2015. Collection method: clinical testing. Allele origin: germline.
Comment: This missense variant replaces glutamic acid with aspartic acid at codon 1186 of the ATM protein. Computational prediction suggests that this variant may not impact protein structure and function (internally defined REVEL score threshold <= 0.5, PMID: 27666373). To our knowledge, functional studies have not been reported for this variant. This variant has not been reported in individuals affected with ATM-related disorders in the literature. This variant has not been identified in the general population by the Genome Aggregation Database (gnomAD). The available evidence is insufficient to determine the role of this variant in disease conclusively. Therefore, this variant is classified as a Variant of Uncertain Significance.

Department of Pathology and Laboratory Medicine, Sinai Health System
Classification: Uncertain significance for Familial colorectal cancer type X. Last evaluated: 2023-07-05. Review status: criteria provided, single submitter. Criteria: ACMG Guidelines, 2015. Collection method: clinical testing. Allele origin: germline. Affected: yes.

Women's Health and Genetics/Laboratory Corporation of America, LabCorp
Classification: Uncertain significance. Last evaluated: 2022-10-03. Review status: criteria provided, single submitter. Criteria: LabCorp Variant Classification Summary - May 2015. Collection method: clinical testing. Allele origin: germline.
Comment: Variant summary: ATM c.3558A>C (p.Glu1186Asp) results in a conservative amino acid change in the encoded protein sequence. Five of five in-silico tools predict a benign effect of the variant on protein function. The variant was absent in 251328 control chromosomes. The available data on variant occurrences in the general population are insufficient to allow any conclusion about variant significance. c.3558A>C has been reported in the literature in an individual who fulfilled the Serbian criteria for genetic testing for HBOC (Krivokuca_2022) without evidence of causality. This report does not provide unequivocal conclusions about association of the variant with Breast Cancer. To our knowledge, no experimental evidence demonstrating an impact on protein function has been reported. Four clinical diagnostic laboratories have submitted clinical-significance assessments for this variant to ClinVar after 2014 without evidence for independent evaluation. All laboratories classified the variant as uncertain significance. Based on the evidence outlined above, the variant was classified as uncertain significance.

GeneDx
Classification: Uncertain significance. Last evaluated: 2020-04-20. Review status: criteria provided, single submitter. Criteria: GeneDx Variant Classification Process June 2021. Collection method: clinical testing. Allele origin: germline. Affected: yes.
Comment: Not observed in large population cohorts (Lek 2016); In silico analysis supports that this missense variant does not alter protein structure/function; Has not been previously published as pathogenic or benign to our knowledge

Literature cited by the submitters: PubMed 34284872 (cited by Women's Health and Genetics/Laboratory Corporation of America, LabCorp).